The following is an entry in ClinVar:

ClinVar aggregate classification (germline): Uncertain significance. Review status: criteria provided, multiple submitters, no conflicts (2 of 4 stars). 3 submissions from 3 submitters: Uncertain significance (3). Last evaluated 2024-10-30.

Conditions:
Ellis-van Creveld syndrome (EVC). Also called: EVC-Related Ellis-van Creveld Syndrome; EVC2-Related Ellis-van Creveld Syndrome; MESOECTODERMAL DYSPLASIA; Chondroectodermal dysplasia. Identifiers: Orphanet 289, MedGen C0013903, MONDO:0009162, OMIM 225500.
Curry-Hall syndrome (WAD). Also called: WEYERS ACRODENTAL DYSOSTOSIS. Identifiers: Orphanet 952, MedGen C0457013, MONDO:0008673, OMIM 193530.
Inborn genetic diseases. Identifiers: MedGen C0950123, MeSH D030342.

Allele frequency attached by ClinVar (database versions not stated): gnomAD exomes 0.00002 and 0.00009; gnomAD 0.00003 and 0.00005; TOPMed 0.00004; ESP Exome Variant Server 0.00008; ExAC 0.00012; 1000 Genomes Project 30x 0.00031; 1000 Genomes Project 0.00040.
gnomAD v4.1: 39 of 1,614,038 alleles (0.0024%); highest among the groups gnomAD compares: East Asian, 0.071%; no homozygotes.

Submissions (3):

Labcorp Genetics (formerly Invitae), Labcorp
Classification: Uncertain significance for Curry-Hall syndrome; Ellis-van Creveld syndrome. Last evaluated: 2024-10-30. Review status: criteria provided, single submitter. Criteria: Invitae Variant Classification Sherloc (09022015). Collection method: clinical testing. Allele origin: germline.
Comment: This sequence change replaces alanine, which is neutral and non-polar, with valine, which is neutral and non-polar, at codon 788 of the EVC2 protein (p.Ala788Val). This variant is present in population databases (rs376048508, gnomAD 0.1%). This variant has not been reported in the literature in individuals affected with EVC2-related conditions. ClinVar contains an entry for this variant (Variation ID: 905778). An algorithm developed to predict the effect of missense changes on protein structure and function (PolyPhen-2) suggests that this variant is likely to be disruptive. In summary, the available evidence is currently insufficient to determine the role of this variant in disease. Therefore, it has been classified as a Variant of Uncertain Significance.

Ambry Genetics
Classification: Uncertain significance for Inborn genetic diseases. Last evaluated: 2023-03-24. Review status: criteria provided, single submitter. Criteria: Ambry Variant Classification Scheme 2023. Collection method: clinical testing. Allele origin: germline.

Illumina Laboratory Services, Illumina
Classification: Uncertain significance for Ellis-van Creveld syndrome. Last evaluated: 2018-02-02. Review status: criteria provided, single submitter. Criteria: ICSL Variant Classification Criteria 13 December 2019. Collection method: clinical testing. Allele origin: germline.

NM_147127.5(EVC2):c.2363C>T (p.Ala788Val)

Gene: EVC2 (EvC ciliary complex subunit 2; minus strand). Cytogenetic location: 4p16.2.
Variant type: single nucleotide variant.
Coding change: c.2363C>T on transcript NM_147127.5 (MANE Select); coding-DNA position 2363, C replaced by T.
Protein change: p.Ala788Val; replaces alanine 788 with valine.
Molecular consequence: missense variant.
Genome position (GRCh38, 1-based): chr4:5,622,675, G>A on the plus strand (C>T on the coding strand, the complement: EVC2 is on the minus strand). VCF-style: chr4-5622675-G-A. GRCh37 (hg19) VCF-style: chr4-5624402-G-A.
Other names: c.2123C>T, p.Ala708Val (NM_001166136.2); short protein forms A788V, A708V.
Identifiers: ClinVar variation 905778 (VCV000905778.8), dbSNP rs376048508, ClinGen allele CA2834743.
Genomic context (GRCh38, chr4:5,622,675, plus strand): 5'-TGCCTCACGCTCTGGACACCCTCCTGGTCCCTGTCCCTCTCCTCCCCCTCCAGCTGCTCG[G>A]CCCGTGCAGCCATCTCCTTGCCGTGCTCCTCCAGGATCTGCTGCAGGAAGAGCCAGGGCA-3'
Protein context (NP_667338.3, residues 778-798): EEHGKEMAAR[Ala788Val]EQLEGEERDR